The following is an entry in ClinVar:

NM_178452.6(DNAAF1):c.1684T>A (p.Ser562Thr)

Gene: DNAAF1 (dynein axonemal assembly factor 1; plus strand). Cytogenetic location: 16q24.1.
Variant type: single nucleotide variant.
Coding change: c.1684T>A on transcript NM_178452.6 (MANE Select); coding-DNA position 1684, T replaced by A.
Protein change: p.Ser562Thr; replaces serine 562 with threonine.
Molecular consequence: missense variant.
Genome position (GRCh38, 1-based): chr16:84,174,708, T>A. VCF-style: chr16-84174708-T-A. GRCh37 (hg19) VCF-style: chr16-84208314-T-A.
Other names: c.976T>A, p.Ser326Thr (NM_001318756.1); short protein forms S326T, S562T.
Identifiers: ClinVar variation 2140843 (VCV002140843.3), dbSNP rs373640751, ClinGen allele CA8202990.
Genomic context (GRCh38, chr16:84,174,708, plus strand): 5'-GCGGCTCACTTGCTCTTTCAGGACCTACCTGACTTGGAAGATGATGATGAAACAGGCAAA[T>A]CTCTGGAAGACCAGGTTAAGGTCATTAGAAACCATTTTCCCACAGGCAGCTTAATTCCAC-3'
Protein context (NP_848547.4, residues 552-572): DLEDDDETGK[Ser562Thr]LEDQNMCFPK

ClinVar aggregate classification (germline): Uncertain significance (1 of 4 stars; one submission).

Conditions:
Primary ciliary dyskinesia. Also called: Ciliary dyskinesia. Identifiers: Orphanet 244, MedGen C0008780, MONDO:0016575, HP:0012265.

Allele frequency attached by ClinVar (database versions not stated): gnomAD exomes 0.00001; ExAC 0.00002; gnomAD 0.00003; ESP Exome Variant Server 0.00023.
gnomAD v4.1: 21 of 1,614,186 alleles (0.0013%); highest among the groups gnomAD compares: African/African-American, 0.0027%; no homozygotes.

Submission:

Labcorp Genetics (formerly Invitae), Labcorp
Classification: Uncertain significance for Primary ciliary dyskinesia. Last evaluated: 2022-07-21. Review status: criteria provided, single submitter. Criteria: Invitae Variant Classification Sherloc (09022015). Collection method: clinical testing. Allele origin: germline.
Comment: This sequence change replaces serine, which is neutral and polar, with threonine, which is neutral and polar, at codon 562 of the DNAAF1 protein (p.Ser562Thr). This variant is present in population databases (rs373640751, gnomAD 0.002%). This variant has not been reported in the literature in individuals affected with DNAAF1-related conditions. Algorithms developed to predict the effect of missense changes on protein structure and function output the following: SIFT: "Tolerated"; PolyPhen-2: "Benign"; Align-GVGD: "Class C0". The threonine amino acid residue is found in multiple mammalian species, which suggests that this missense change does not adversely affect protein function. In summary, the available evidence is currently insufficient to determine the role of this variant in disease. Therefore, it has been classified as a Variant of Uncertain Significance.